The following is an entry in ClinVar:

ClinVar aggregate classification (germline): Conflicting classifications of pathogenicity. Review status: criteria provided, conflicting classifications (1 of 4 stars). 4 submissions from 4 submitters: Uncertain significance (1); Benign (3). Last evaluated 2026-01-08.

Conditions:
Osteogenesis imperfecta type 5 (OI5). Also called: OI type 5; Type V OI; OSTEOGENESIS IMPERFECTA, TYPE V. Identifiers: Orphanet 216828, MedGen C2931093, MONDO:0012591, OMIM 610967.

Allele frequency attached by ClinVar (database versions not stated): gnomAD exomes 0.00030 and 0.00088; ExAC 0.00106; 1000 Genomes Project 30x 0.00297; gnomAD 0.00313 and 0.00334; 1000 Genomes Project 0.00319; TOPMed 0.00340; ESP Exome Variant Server 0.00423.
gnomAD v4.1: 921 of 1,613,516 alleles (0.057%); highest among the groups gnomAD compares: African/African-American, 1%; 6 homozygotes.

Submissions (4):

Labcorp Genetics (formerly Invitae), Labcorp
Classification: Benign. Last evaluated: 2026-01-08. Review status: criteria provided, single submitter. Criteria: Invitae Variant Classification Sherloc (09022015). Collection method: clinical testing. Allele origin: germline.

Mayo Clinic Laboratories, Mayo Clinic
Classification: Uncertain significance. Last evaluated: 2025-08-17. Review status: criteria provided, single submitter. Criteria: ACMG Guidelines, 2015. Collection method: clinical testing. Allele origin: germline. Observed: 1 variant allele.
Comment: BS2

ARUP Laboratories, Molecular Genetics and Genomics, ARUP Laboratories
Classification: Benign for Osteogenesis imperfecta type 5. Last evaluated: 2023-10-14. Review status: criteria provided, single submitter. Criteria: ARUP Molecular Germline Variant Investigation Process 2024. Collection method: clinical testing. Allele origin: germline.

GeneDx
Classification: Benign. Last evaluated: 2017-12-21. Review status: criteria provided, single submitter. Criteria: GeneDx Variant Classification (06012015). Collection method: clinical testing. Allele origin: germline. Affected: yes.
Comment: This variant is considered likely benign or benign based on one or more of the following criteria: it is a conservative change, it occurs at a poorly conserved position in the protein, it is predicted to be benign by multiple in silico algorithms, and/or has population frequency not consistent with disease.

NM_001025295.3(IFITM5):c.278C>T (p.Thr93Met)

Gene: IFITM5 (interferon induced transmembrane protein 5; minus strand). Cytogenetic location: 11p15.5.
Variant type: single nucleotide variant.
Coding change: c.278C>T on transcript NM_001025295.3 (MANE Select); coding-DNA position 278, C replaced by T.
Protein change: p.Thr93Met; replaces threonine 93 with methionine.
Molecular consequence: missense variant.
Genome position (GRCh38, 1-based): chr11:298,622, G>A on the plus strand (C>T on the coding strand, the complement: IFITM5 is on the minus strand). VCF-style: chr11-298622-G-A. GRCh37 (hg19) VCF-style: chr11-298622-G-A.
Other names: p.Thr93Met; short protein forms T93M.
Identifiers: ClinVar variation 506680 (VCV000506680.12), dbSNP rs141240817, ClinGen allele CA5773398.
Genomic context (GRCh38, chr11:298,622, plus strand): 5'-CGGGCCAGGTGCAGGGCACCAGTCACCACCAGCCCCAGGAGCAGCAGTGGCGGCACCAGC[G>A]TCCACATCGCGGCCAGGATGTTGTAGCACTTGGCTTTGGAGCCAAAACGCCGGGCCGCTT-3'
Protein context (NP_001020466.1, residues 83-103): KCYNILAAMW[Thr93Met]LVPPLLLLGL